The following is an entry in ClinVar:

NM_005148.4(UNC119):c.181G>A (p.Gly61Arg)

Genes: UNC119 (unc-119 lipid binding chaperone; minus strand), LOC130060555 (ATAC-STARR-seq lymphoblastoid silent region 8343; plus strand). Cytogenetic location: 17q11.2.
Variant type: single nucleotide variant.
Coding change: c.181G>A on transcript NM_005148.4 (MANE Select); coding-DNA position 181, G replaced by A.
Protein change: p.Gly61Arg; replaces glycine 61 with arginine.
Molecular consequence: missense variant. On other transcripts: 5 prime UTR variant (1).
Genome position (GRCh38, 1-based): chr17:28,552,377, C>T on the plus strand (G>A on the coding strand, the complement: UNC119 is on the minus strand). VCF-style: chr17-28552377-C-T. GRCh37 (hg19) VCF-style: chr17-26879395-C-T.
Other names: c.-133G>A (NM_001330166.2); c.181G>A, p.Gly61Arg (NM_054035.2); short protein forms G61R.
Identifiers: ClinVar variation 4778487 (VCV004778487.1).
Genomic context (GRCh38, chr17:28,552,377, plus strand): 5'-CGCTCCCTCGCGGGTGCTCACCACCGGTGATCCGCTGCAGCCCCAGCACGTCCTCCGGCC[C>T]GATCGGCTGCTTCCTCTGCAGCGGCCCCGGCCTGGGCCCTGGGCCTGCGTCCGGCTCCGA-3'
Protein context (NP_005139.1, residues 51-71): PGPLQRKQPI[Gly61Arg]PEDVLGLQRI

ClinVar aggregate classification (germline): Uncertain significance (1 of 4 stars; one submission).

gnomAD v4.1: 2 of 1,547,164 alleles (0.00013%); highest among the groups gnomAD compares: East Asian, 0.0024%; no homozygotes.

Submission:

Labcorp Genetics (formerly Invitae), Labcorp
Classification: Uncertain significance. Last evaluated: 2025-09-29. Review status: criteria provided, single submitter. Criteria: Invitae Variant Classification Sherloc (09022015). Collection method: clinical testing. Allele origin: germline.
Comment: This sequence change replaces glycine, which is neutral and non-polar, with arginine, which is basic and polar, at codon 61 of the UNC119 protein (p.Gly61Arg). The frequency data for this variant in the population databases is considered unreliable, as metrics indicate poor data quality at this position in the gnomAD database. This variant has not been reported in the literature in individuals affected with UNC119-related conditions. An algorithm developed to predict the effect of missense changes on protein structure and function (PolyPhen-2) suggests that this variant is likely to be tolerated. In summary, the available evidence is currently insufficient to determine the role of this variant in disease. Therefore, it has been classified as a Variant of Uncertain Significance.